The following is an entry in ClinVar:

ClinVar aggregate classification (germline): Uncertain significance (1 of 4 stars; one submission).

Submission:

GeneDx
Classification: Uncertain significance. Last evaluated: 2025-10-01. Review status: criteria provided, single submitter. Criteria: GeneDx Variant Classification Process June 2021. Collection method: clinical testing. Allele origin: germline. Affected: yes.
Comment: Not observed at significant frequency in large population cohorts (gnomAD); Located in a regulatory region; in the absence of functional studies, the actual effect of this sequence change is unknown; Reported in two siblings with cardiomyopathy in published literature (PMID: 38540378); This variant is associated with the following publications: (PMID: 38540378)

NM_001134363.3(RBM20):c.*1T>G

Gene: RBM20 (RNA binding motif protein 20; plus strand). Cytogenetic location: 10q25.2.
Variant type: single nucleotide variant.
Coding change: c.*1T>G on transcript NM_001134363.3 (MANE Select); 1 bases downstream of the stop codon, T replaced by G.
Molecular consequence: 3 prime UTR variant.
Genome position (GRCh38, 1-based): chr10:110,835,979, T>G. VCF-style: chr10-110835979-T-G. GRCh37 (hg19) VCF-style: chr10-112595737-T-G.
Identifiers: ClinVar variation 4819508 (VCV004819508.1).
Genomic context (GRCh38, chr10:110,835,979, plus strand): 5'-GATAGCCCGAGGCCAGAGGACAGCGGAATCGTGCCACGCTTCGAAAGGAAAAAGCTCTGA[T>G]GCTTCTGCTTCTGCTGCTACTGCTGCTGCTGCAAGGTTGGAAAGGAGAGCTTGCTGAAGT-3'